The following is an entry in ClinVar:

NM_024675.4(PALB2):c.3327T>C (p.Cys1109=)

Gene: PALB2 (partner and localizer of BRCA2; minus strand). Cytogenetic location: 16p12.2.
Variant type: single nucleotide variant.
Coding change: c.3327T>C on transcript NM_024675.4 (MANE Select); coding-DNA position 3327, T replaced by C.
Protein change: p.Cys1109=; no amino-acid change (cysteine 1109 retained).
Molecular consequence: synonymous variant.
Genome position (GRCh38, 1-based): chr16:23,607,887, A>G on the plus strand (T>C on the coding strand, the complement: PALB2 is on the minus strand). VCF-style: chr16-23607887-A-G. GRCh37 (hg19) VCF-style: chr16-23619208-A-G.
Identifiers: ClinVar variation 1332574 (VCV001332574.12), dbSNP rs2142271504, ClinGen allele CA494175473.
Genomic context (GRCh38, chr16:23,607,887, plus strand): 5'-ATGTCCCACCCATAGAGTAGCAGTTATGCACACTTGCCTGCCAGCCTGCCCTGGAGGAAG[A>G]CAGTACAGCATCACACCCACGCTGAGAGTCGTCTTAGGGTTAATCACAATGAGCTGAAAC-3'
Protein context (NP_078951.2, residues 1099-1119): TTLSVGVMLY[Cys1109=]LPPGQAGRFL

ClinVar aggregate classification (germline): Benign/Likely benign. Review status: criteria provided, multiple submitters, no conflicts (2 of 4 stars). 3 submissions from 3 submitters: Benign (1); Likely benign (2). Last evaluated 2025-01-22.

Conditions:
Hereditary cancer-predisposing syndrome. Also called: Tumor predisposition; Hereditary Cancer Syndrome; Neoplastic Syndromes, Hereditary; Hereditary neoplastic syndrome. Identifiers: Orphanet 140162, MedGen C0027672, MeSH D009386, MONDO:0015356.
Familial cancer of breast. Also called: BREAST CANCER, FAMILIAL; hereditary breast carcinoma; Hereditary breast cancer. Identifiers: Orphanet 227535, MedGen C0346153, MONDO:0016419, OMIM 114480. Disease mechanism: loss of function.

Submissions (3):

Myriad Genetics, Inc.
Classification: Benign for Familial cancer of breast. Last evaluated: 2025-01-22. Review status: criteria provided, single submitter. Criteria: Myriad Autosomal Dominant, Autosomal Recessive and X-Linked Classification Criteria (2023). Collection method: clinical testing. Allele origin: unknown.
Comment: This variant is considered benign. This variant is a silent/synonymous amino acid change and it is not expected to impact splicing.

Labcorp Genetics (formerly Invitae), Labcorp
Classification: Likely benign for Familial cancer of breast. Last evaluated: 2021-11-10. Review status: criteria provided, single submitter. Criteria: Invitae Variant Classification Sherloc (09022015). Collection method: clinical testing. Allele origin: germline.

Color Diagnostics, LLC DBA Color Health
Classification: Likely benign for Hereditary cancer-predisposing syndrome. Last evaluated: 2019-12-06. Review status: criteria provided, single submitter. Criteria: ACMG Guidelines, 2015. Collection method: clinical testing. Allele origin: germline.